The following is an entry in ClinVar:

ClinVar aggregate classification (germline): Likely pathogenic (1 of 4 stars; one submission).

Conditions:
Joubert syndrome and related disorders. Identifiers: Orphanet 140874, MedGen C5679612, MONDO:0015369.

Submission:

Women's Health and Genetics/Laboratory Corporation of America, LabCorp
Classification: Likely pathogenic for Joubert syndrome and related disorders. Last evaluated: 2022-09-27. Review status: criteria provided, single submitter. Criteria: LabCorp Variant Classification Summary - May 2015. Collection method: clinical testing. Allele origin: germline.
Comment: Variant summary: KIF14 c.1921dupT (p.Ser641PhefsX15) results in a premature termination codon, predicted to cause a truncation of the encoded protein or absence of the protein due to nonsense mediated decay, which are commonly known mechanisms for disease. The variant was absent in 251106 control chromosomes (gnomAD). To our knowledge, no occurrence of c.1921dupT in individuals affected with Joubert Syndrome And Related Disorders and no experimental evidence demonstrating its impact on protein function have been reported. No clinical diagnostic laboratories have submitted clinical-significance assessments for this variant to ClinVar after 2014. Based on the evidence outlined above, the variant was classified as likely pathogenic.

NM_014875.3(KIF14):c.1921dup (p.Ser641fs)

Gene: KIF14 (kinesin family member 14; minus strand). Cytogenetic location: 1q32.1.
Variant type: Duplication.
Coding change: c.1921dup on transcript NM_014875.3 (MANE Select); coding-DNA position 1921, one base duplicated (T; older notation c.1921dupT).
Protein change: p.Ser641fs; shifts the reading frame from serine 641.
Molecular consequence: frameshift variant.
Genome position (GRCh38, 1-based): chr1:200,603,284, A duplicated on the plus strand (T on the coding strand, the reverse complement: KIF14 is on the minus strand); the first of 3 consecutive A bases (chr1:200,603,284-200,603,286); duplicating any one gives the same sequence. VCF-style (leftmost placement, unchanged base first): chr1-200603283-G-GA. GRCh37 (hg19) VCF-style: chr1-200572411-G-GA.
Other names: c.448dup, p.Ser150fs (NM_001305792.1); short protein forms S150fs, S641fs.
Identifiers: ClinVar variation 1722429 (VCV001722429.1), dbSNP rs2527664861, ClinGen allele CA2580061850.